The following is an entry in ClinVar:

NM_078470.6(COX15):c.1030T>C (p.Ser344Pro)

Gene: COX15 (cytochrome c oxidase assembly factor COX15; minus strand). Cytogenetic location: 10q24.2.
Variant type: single nucleotide variant.
Coding change: c.1030T>C on transcript NM_078470.6 (MANE Select); coding-DNA position 1030, T replaced by C.
Protein change: p.Ser344Pro; replaces serine 344 with proline.
Molecular consequence: missense variant. On other transcripts: non-coding transcript variant (1).
Genome position (GRCh38, 1-based): chr10:99,716,419, A>G on the plus strand (T>C on the coding strand, the complement: COX15 is on the minus strand). VCF-style: chr10-99716419-A-G. GRCh37 (hg19) VCF-style: chr10-101476176-A-G.
Other names: c.1030T>C (NM_004376.6); c.1030T>C, p.Ser344Pro (NM_001320974.2, NM_001372024.1, NM_001372027.1 and 1 more transcripts); c.875T>C, p.Leu292Pro (NM_001320975.2, NM_001372028.1); c.493T>C, p.Ser165Pro (NM_001320976.2); c.1048T>C, p.Ser350Pro (NM_001372025.1); c.1003T>C, p.Ser335Pro (NM_001372026.1); short protein forms S344P, L292P, S165P, S335P, S350P.
Identifiers: ClinVar variation 40258 (VCV000040258.15), dbSNP rs397514662, ClinGen allele CA130810.

ClinVar aggregate classification (germline): Conflicting classifications of pathogenicity. Review status: criteria provided, conflicting classifications (1 of 4 stars). 6 submissions from 6 submitters: Likely pathogenic (4); Uncertain significance (1). 1 of the submissions does not count toward it. Last evaluated 2025-08-04.

Conditions:
Cardioencephalomyopathy, fatal infantile, due to cytochrome c oxidase deficiency 2 (MC4DN6). Also called: MITOCHONDRIAL COMPLEX IV DEFICIENCY, NUCLEAR TYPE 6. Identifiers: Orphanet 1561, MedGen C3554534, MONDO:0014051, OMIM 615119.

Allele frequency attached by ClinVar (database versions not stated): TOPMed 0.00001.
gnomAD v4.1: 8 of 1,613,970 alleles (0.0005%); highest among the groups gnomAD compares: Non-Finnish European, 0.00068%; no homozygotes.

Submissions (6):

Dasa
Classification: Likely pathogenic. Last evaluated: 2025-08-04. Review status: criteria provided, single submitter. Criteria: DASA Assertion Criteria. Collection method: clinical testing. Allele origin: germline.
Comment: NM_078470.6(COX15):c.1030T>C (p.Ser344Pro) is a missense variant that results in the substitution of serine with proline. This variant has been recurrently observed in individuals with related phenotype (PMID: 15863660; PMID: 39113384). Segregation evidence has been reported in affected families. Multiple computational predictions support a deleterious effect on the gene or gene product. The variant is present at low frequency in population datasets. Based on the available data, this variant is classified as likely pathogenic.

GeneDx
Classification: Likely pathogenic. Last evaluated: 2025-03-10. Review status: criteria provided, single submitter. Criteria: GeneDx Variant Classification Process June 2021. Collection method: clinical testing. Allele origin: germline. Affected: yes.
Comment: Reported with a second COX15 variant, phase unknown, in unrelated patients with COX15-related features referred for genetic testing at GeneDx and in published literature (PMID: 15863660, 39113384); Not observed at significant frequency in large population cohorts (gnomAD); In silico analysis supports that this missense variant has a deleterious effect on protein structure/function; This variant is associated with the following publications: (PMID: 33238568, 34426522, 22310368, 26940873, 33746038, 33171185, 21680271, 32232962, 34428995, 26959537, 39113384, 15863660)

3billion
Classification: Likely pathogenic for Cardioencephalomyopathy, fatal infantile, due to cytochrome c oxidase deficiency 2. Last evaluated: 2024-06-02. Review status: criteria provided, single submitter. Criteria: ACMG Guidelines, 2015. Collection method: clinical testing. Allele origin: germline. Affected: yes.
Comment: The variant is observed at an extremely low frequency in the gnomAD v4.0.0 dataset (total allele frequency: <0.001%). Predicted Consequence/Location: The majority of the known disease-causing variants of this gene are variants expected to result in premature termination of the protein. Functional studies provide moderate evidence of the variant having a damaging effect on the gene or gene product (PMID: 15863660). In silico tool predictions suggest damaging effect of the variant on gene or gene product [REVEL: 0.84 (>=0.6, sensitivity 0.68 and specificity 0.92)]. The same nucleotide change resulting in the same amino acid change has been previously reported to be associated with COX15-related disorder (ClinVar ID: VCV000040258 /PMID: 15863660). However, the evidence of pathogenicity is insufficient at this time. Therefore, this variant is classified as Likely pathogenic according to the recommendation of ACMG/AMP guideline.

Fulgent Genetics
Classification: Likely pathogenic for Cardioencephalomyopathy, fatal infantile, due to cytochrome c oxidase deficiency 2. Last evaluated: 2024-03-15. Review status: criteria provided, single submitter. Criteria: ACMG Guidelines, 2015. Collection method: clinical testing. Allele origin: germline.

Women's Health and Genetics/Laboratory Corporation of America, LabCorp
Classification: Uncertain significance. Last evaluated: 2024-03-14. Review status: criteria provided, single submitter. Criteria: LabCorp Variant Classification Summary - May 2015. Collection method: clinical testing. Allele origin: germline.
Comment: Variant summary: COX15 c.1030T>C (p.Ser344Pro) results in a non-conservative amino acid change in the encoded protein sequence. Five of five in-silico tools predict a damaging effect of the variant on protein function. The variant was absent in 250864 control chromosomes (gnomAD). c.1030T>C has been reported in the literature as a compound heterozygous genotype together with a truncating variant in an individual affected with Leigh Syndrome (Bugiani_2005). Biochemical assays showed an isolated COX deficiency in both skeletal muscle and cultured fibroblasts from this patient (42% and 22% residual activity compared to controls, respectively), suggesting the variant impairs protein function (Bugiani_2005). These data suggest the variant may be associated with Leigh syndrome. The following publications have been ascertained in the context of this evaluation (PMID: 15863660, 31102535). ClinVar contains an entry for this variant (Variation ID: 40258). Based on the evidence outlined above, the variant was classified as VUS-possibly pathogenic.

OMIM
Classification: Pathogenic for MITOCHONDRIAL COMPLEX IV DEFICIENCY, NUCLEAR TYPE 6. Last evaluated: 2005-05-01. Review status: no assertion criteria provided. Collection method: literature only. Allele origin: germline. Not counted in ClinVar's aggregate classification.

Literature cited by the submitters: PubMed 15863660 (cited by 4 submitters); PubMed 39113384 (cited by Dasa); PubMed 31102535 (cited by Women's Health and Genetics/Laboratory Corporation of America, LabCorp).